The following is an entry in ClinVar:

NM_003482.4(KMT2D):c.11938C>T (p.Gln3980Ter)

Gene: KMT2D (lysine methyltransferase 2D; minus strand). Cytogenetic location: 12q13.12.
Variant type: single nucleotide variant.
Coding change: c.11938C>T on transcript NM_003482.4 (MANE Select); coding-DNA position 11938, C replaced by T.
Protein change: p.Gln3980Ter; replaces glutamine 3980 with a stop codon.
Molecular consequence: nonsense.
Genome position (GRCh38, 1-based): chr12:49,032,767, G>A on the plus strand (C>T on the coding strand, the complement: KMT2D is on the minus strand). VCF-style: chr12-49032767-G-A. GRCh37 (hg19) VCF-style: chr12-49426550-G-A.
Other names: short protein forms Q3980*.
Identifiers: ClinVar variation 2306402 (VCV002306402.2), dbSNP rs2498359638, ClinGen allele CA384713901.

ClinVar aggregate classification (germline): Pathogenic (1 of 4 stars; one submission).

Conditions:
Inborn genetic diseases. Identifiers: MedGen C0950123, MeSH D030342.

Submission:

Ambry Genetics
Classification: Pathogenic for Inborn genetic diseases. Last evaluated: 2022-09-15. Review status: criteria provided, single submitter. Criteria: Ambry Variant Classification Scheme 2023. Collection method: clinical testing. Allele origin: germline.
Comment: The c.11938C>T (p.Q3980*) alteration, located in exon 39 (coding exon 39) of the KMT2D gene, consists of a C to T substitution at nucleotide position 11938. This changes the amino acid from a glutamine (Q) to a stop codon at amino acid position 3980. This alteration is expected to result in loss of function by premature protein truncation or nonsense-mediated mRNA decay._x000D_ _x000D_ Based on the available evidence, the KMT2D c.11938C>T (p.Q3980*) alteration is classified as pathogenic for KMT2D-related Kabuki syndrome; however, it is unlikely to be causative of KMT2D-related multiple congenital anomalies disorder. This variant was not reported in population-based cohorts in the Genome Aggregation Database (gnomAD). Based on the available evidence, this alteration is classified as pathogenic.